The following is an entry in ClinVar:

NM_001005337.3(PKP1):c.*1884G>A

Gene: PKP1 (plakophilin 1; plus strand). Cytogenetic location: 1q32.1.
Variant type: single nucleotide variant.
Coding change: c.*1884G>A on transcript NM_001005337.3 (MANE Select); 1884 bases downstream of the stop codon, G replaced by A.
Molecular consequence: 3 prime UTR variant.
Genome position (GRCh38, 1-based): chr1:201,331,925, G>A. VCF-style: chr1-201331925-G-A. GRCh37 (hg19) VCF-style: chr1-201301053-G-A.
Other names: c.*1884G>A (NM_000299.4).
Identifiers: ClinVar variation 294875 (VCV000294875.6), dbSNP rs17425876, ClinGen allele CA10609401.
Genomic context (GRCh38, chr1:201,331,925, plus strand): 5'-CTCTCAGGGACCCACGTGGGAGCCTGGATCCCTGGACTGTCCTGGGCATAGGTTTCAGGG[G>A]CCTCCTTTGTTGTCATCAGAACCCAGAGGAATTCTTCTCCTAAAAAATACGTATGGCATA-3'

ClinVar aggregate classification (germline): Benign. Review status: criteria provided, multiple submitters, no conflicts (2 of 4 stars). 2 submissions from 2 submitters: Benign (2). Last evaluated 2018-01-12.

Conditions:
Epidermolysis bullosa simplex due to plakophilin deficiency. Also called: MCGRATH SYNDROME. Identifiers: Orphanet 158668, MedGen C1858302, MONDO:0011472, OMIM 604536.

Allele frequency attached by ClinVar (database versions not stated): gnomAD exomes 0.10000; 1000 Genomes Project 30x 0.11961; 1000 Genomes Project 0.12141; gnomAD 0.14341 and 0.14570; TOPMed 0.14750.
gnomAD v4.1: 22,067 of 152,316 alleles (14%); highest among the groups gnomAD compares: Non-Finnish European, 18%; 1,746 homozygotes.

Submissions (2):

Illumina Laboratory Services, Illumina
Classification: Benign for Epidermolysis bullosa simplex due to plakophilin deficiency. Last evaluated: 2018-01-12. Review status: criteria provided, single submitter. Criteria: ICSL Variant Classification Criteria 13 December 2019. Collection method: clinical testing. Allele origin: germline.
Comment: This variant was observed in the ICSL laboratory as part of a predisposition screen in an ostensibly healthy population. It had not been previously curated by ICSL or reported in the Human Gene Mutation Database (HGMD: prior to June 1st, 2018), and was therefore a candidate for classification through an automated scoring system. Utilizing variant allele frequency, disease prevalence and penetrance estimates, and inheritance mode, an automated score was calculated to assess if this variant is too frequent to cause the disease. Based on the score and internal cut-off values, a variant classified as benign is not then subjected to further curation. The score for this variant resulted in a classification of benign for this disease.

Breakthrough Genomics
Classification: Benign. Review status: criteria provided, single submitter. Criteria: ACMG Guidelines, 2015. Collection method: not provided. Allele origin: germline. Inheritance: Autosomal recessive inheritance. Affected: yes.